The following is an entry in ClinVar:

ClinVar aggregate classification (germline): Likely benign (1 of 4 stars; one submission).

Conditions:
Amyotrophic lateral sclerosis type 10 (ALS10). Also called: AMYOTROPHIC LATERAL SCLEROSIS 10 WITHOUT FRONTOTEMPORAL DEMENTIA AND WITH TDP43 INCLUSIONS; AMYOTROPHIC LATERAL SCLEROSIS 10 WITH OR WITHOUT FRONTOTEMPORAL DEMENTIA AND WITH TDP43 INCLUSIONS; AMYOTROPHIC LATERAL SCLEROSIS 10 WITH OR WITHOUT FRONTOTEMPORAL DEMENTIA; TARDBP-Related Amyotrophic Lateral Sclerosis-Frontotemporal Dementia; Amyotrophic lateral sclerosis 10, with or without FTD. Identifiers: Orphanet 275872, Orphanet 803, MedGen C2677565, MONDO:0012790, OMIM 612069.

Allele frequency attached by ClinVar (database versions not stated): TOPMed 0.00043; gnomAD 0.00046 and 0.00047; 1000 Genomes Project 0.00140.

Submission:

Illumina Laboratory Services, Illumina
Classification: Likely benign for Amyotrophic lateral sclerosis type 10. Last evaluated: 2018-01-12. Review status: criteria provided, single submitter. Criteria: ICSL Variant Classification Criteria 13 December 2019. Collection method: clinical testing. Allele origin: germline.
Comment: This variant was observed in the ICSL laboratory as part of a predisposition screen in an ostensibly healthy population. It had not been previously curated by ICSL or reported in the Human Gene Mutation Database (HGMD: prior to June 1st, 2018), and was therefore a candidate for classification through an automated scoring system. Utilizing variant allele frequency, disease prevalence and penetrance estimates, and inheritance mode, an automated score was calculated to assess if this variant is too frequent to cause the disease. Based on the score and internal cut-off values, a variant classified as likely benign is not then subjected to further curation. The score for this variant resulted in a classification of likely benign for this disease.

NM_007375.4(TARDBP):c.*1623T>A

Gene: TARDBP (TAR DNA binding protein; plus strand). Cytogenetic location: 1p36.22.
Variant type: single nucleotide variant.
Coding change: c.*1623T>A on transcript NM_007375.4 (MANE Select); 1623 bases downstream of the stop codon, T replaced by A.
Molecular consequence: 3 prime UTR variant.
Genome position (GRCh38, 1-based): chr1:11,024,277, T>A. VCF-style: chr1-11024277-T-A. GRCh37 (hg19) VCF-style: chr1-11084334-T-A.
Identifiers: ClinVar variation 291756 (VCV000291756.5), dbSNP rs566657331, ClinGen allele CA10607427.